The following is an entry in ClinVar:

NM_003331.5(TYK2):c.2051T>G (p.Ile684Ser)

Gene: TYK2 (tyrosine kinase 2; minus strand). Cytogenetic location: 19p13.2.
Variant type: single nucleotide variant.
Coding change: c.2051T>G on transcript NM_003331.5 (MANE Select); coding-DNA position 2051, T replaced by G.
Protein change: p.Ile684Ser; replaces isoleucine 684 with serine.
Molecular consequence: missense variant.
Genome position (GRCh38, 1-based): chr19:10,359,299, A>C on the plus strand (T>G on the coding strand, the complement: TYK2 is on the minus strand). VCF-style: chr19-10359299-A-C. GRCh37 (hg19) VCF-style: chr19-10469975-A-C.
Other names: short protein forms I684S.
Identifiers: ClinVar variation 259043 (VCV000259043.23), dbSNP rs12720356, ClinGen allele CA9193192.

ClinVar aggregate classification (germline): Benign/Likely benign. Review status: criteria provided, multiple submitters, no conflicts (2 of 4 stars). 8 submissions from 8 submitters: Benign (7); Likely benign (1). Last evaluated 2026-02-04.

Conditions:
Immunodeficiency 35 (IMD35). Also called: HIES WITH ATYPICAL MYCOBACTERIOSIS, AUTOSOMAL RECESSIVE; HYPER-IgE SYNDROME WITH ATYPICAL MYCOBACTERIOSIS, AUTOSOMAL RECESSIVE; TYK2 DEFICIENCY; Susceptibility to infection due to TYK2 deficiency. Identifiers: Orphanet 331226, MedGen C1969086, MONDO:0012682, OMIM 611521.

Allele frequency attached by ClinVar (database versions not stated): 1000 Genomes Project 0.02815; 1000 Genomes Project 30x 0.02936; TOPMed 0.05665; gnomAD 0.06169; ExAC 0.06388; ESP Exome Variant Server 0.06921.
gnomAD v4.1: 128,313 of 1,610,644 alleles (8%); highest among the groups gnomAD compares: Non-Finnish European, 9.4%; 5,961 homozygotes.

Submissions (8):

Labcorp Genetics (formerly Invitae), Labcorp
Classification: Benign for Immunodeficiency 35. Last evaluated: 2026-02-04. Review status: criteria provided, single submitter. Criteria: Invitae Variant Classification Sherloc (09022015). Collection method: clinical testing. Allele origin: germline.

Blueprint Genetics
Classification: Likely benign. Last evaluated: 2024-11-28. Review status: criteria provided, single submitter. Criteria: ACMG Guidelines, 2015. Collection method: clinical testing. Allele origin: germline.

Mayo Clinic Laboratories, Mayo Clinic
Classification: Benign. Last evaluated: 2023-07-10. Review status: criteria provided, single submitter. Criteria: ACMG Guidelines, 2015. Collection method: clinical testing. Allele origin: germline. Observed: 11 variant alleles.
Comment: BA1, BS2, PP3

Illumina Laboratory Services, Illumina
Classification: Benign for Immunodeficiency 35. Last evaluated: 2018-03-06. Review status: criteria provided, single submitter. Criteria: ICSL Variant Classification Criteria 13 December 2019. Collection method: clinical testing. Allele origin: germline.
Comment: This variant was observed in the ICSL laboratory as part of a predisposition screen in an ostensibly healthy population. It had not been previously curated by ICSL or reported in the Human Gene Mutation Database (HGMD: prior to June 1st, 2018), and was therefore a candidate for classification through an automated scoring system. Utilizing variant allele frequency, disease prevalence and penetrance estimates, and inheritance mode, an automated score was calculated to assess if this variant is too frequent to cause the disease. Based on the score and internal cut-off values, a variant classified as benign is not then subjected to further curation. The score for this variant resulted in a classification of benign for this disease.

Laboratory for Molecular Medicine, Mass General Brigham Personalized Medicine
Classification: Benign. Last evaluated: 2016-03-28. Review status: criteria provided, single submitter. Criteria: LMM Criteria. Collection method: clinical testing. Allele origin: germline.
Comment: Variant identified in a genome or exome case(s) and assessed due to predicted null impact of the variant or pathogenic assertions in the literature or databases. Disclaimer: This variant has not undergone full assessment. The following are preliminary notes: MAF

GeneDx
Classification: Benign. Last evaluated: 2015-03-03. Review status: criteria provided, single submitter. Criteria: GeneDx Variant Classification Process June 2021. Collection method: clinical testing. Allele origin: germline. Affected: yes.
Comment: This variant is associated with the following publications: (PMID: 21085059, 28973304, 27807284, 15657875, 25849893, 20953190, 23143594, 23359498, 18270328)

Breakthrough Genomics
Classification: Benign. Review status: criteria provided, single submitter. Criteria: ACMG Guidelines, 2015. Collection method: not provided. Allele origin: germline. Inheritance: Autosomal recessive inheritance. Affected: yes.

PreventionGenetics, part of Exact Sciences
Classification: Benign. Review status: criteria provided, single submitter. Criteria: ACMG Guidelines, 2015. Collection method: clinical testing. Allele origin: germline.

Literature cited by the submitters: PubMed 15657875 (cited by Mayo Clinic Laboratories, Mayo Clinic); PubMed 20953190 (cited by Mayo Clinic Laboratories, Mayo Clinic); PubMed 23143594 (cited by Mayo Clinic Laboratories, Mayo Clinic); PubMed 23359498 (cited by Mayo Clinic Laboratories, Mayo Clinic); PubMed 25849893 (cited by Mayo Clinic Laboratories, Mayo Clinic); PubMed 27807284 (cited by Mayo Clinic Laboratories, Mayo Clinic); PubMed 28973304 (cited by Mayo Clinic Laboratories, Mayo Clinic).